The following is an entry in ClinVar:

ClinVar aggregate classification (germline): Likely pathogenic (0 of 4 stars; one submission).

Conditions:
ENG-related disorder. Also called: ENG-related disorders; ENG-related condition.

Submission:

PreventionGenetics, part of Exact Sciences
Classification: Likely pathogenic for ENG-related condition. Last evaluated: 2023-12-08. Review status: no assertion criteria provided. Collection method: clinical testing. Allele origin: germline.
Comment: The ENG c.1499_1512del14 variant is predicted to result in a frameshift and premature protein termination (p.Glu500Glyfs*23). To our knowledge, this variant has not been reported in the literature or in a large population database, indicating this variant is rare. Frameshift variants in ENG are expected to be pathogenic. This variant is interpreted as likely pathogenic.

NM_001114753.3(ENG):c.1499_1512del (p.Glu500fs)

Genes: ENG (endoglin; minus strand), LOC102723566 (uncharacterized LOC102723566; plus strand). Cytogenetic location: 9q34.11.
Variant type: Deletion.
Coding change: c.1499_1512del on transcript NM_001114753.3 (MANE Select); coding-DNA positions 1499 to 1512, 14 bases deleted (AGGGAGGCACCGTG).
Protein change: p.Glu500fs; shifts the reading frame from glutamic acid 500.
Molecular consequence: frameshift variant.
Genome position (GRCh38, 1-based): chr9:127,818,294-127,818,307, CACGGTGCCTCCCT deleted on the plus strand (AGGGAGGCACCGTG on the coding strand, the reverse complement: ENG is on the minus strand); deleting any 14 consecutive bases within chr9:127,818,294-127,818,309 gives the same sequence; the c. name uses the placement nearest the transcript's 3' end. VCF-style (leftmost placement, unchanged base first): chr9-127818293-CCACGGTGCCTCCCT-C. GRCh37 (hg19) VCF-style: chr9-130580572-CCACGGTGCCTCCCT-C.
Other names: c.1499_1512del, p.Glu500fs (NM_000118.4); c.953_966del, p.Glu318fs (NM_001278138.2); c.1499_1512del14 (NM_000118.3); short protein forms E318fs, E500fs.
Identifiers: ClinVar variation 3051408 (VCV003051408.2), dbSNP rs2539059661, ClinGen allele CA2740095603.